The following is an entry in ClinVar:

NM_001354483.2(CSGALNACT1):c.1220A>G (p.Gln407Arg)

Gene: CSGALNACT1 (chondroitin sulfate N-acetylgalactosaminyltransferase 1; minus strand). Cytogenetic location: 8p21.3.
Variant type: single nucleotide variant.
Coding change: c.1220A>G on transcript NM_001354483.2 (MANE Select); coding-DNA position 1220, A replaced by G.
Protein change: p.Gln407Arg; replaces glutamine 407 with arginine.
Molecular consequence: missense variant. On other transcripts: non-coding transcript variant (7).
Genome position (GRCh38, 1-based): chr8:19,418,663, T>C on the plus strand (A>G on the coding strand, the complement: CSGALNACT1 is on the minus strand). VCF-style: chr8-19418663-T-C. GRCh37 (hg19) VCF-style: chr8-19276174-T-C.
Other names: c.1220A>G, p.Gln407Arg (NM_001354487.2, NM_001354488.2, NM_001354489.2 and 18 more transcripts); c.1220A>G (NM_001130518.1); short protein forms Q407R.
Identifiers: ClinVar variation 1489411 (VCV001489411.7), dbSNP rs913439048, ClinGen allele CA173299393.
Genomic context (GRCh38, chr8:19,418,663, plus strand): 5'-ATGACAGACACTAAACAGAGCCACACAGAGCCATCTGCAGGGTAATTACTCACCAGCTGC[T>C]GTTCCAAGGGAGGGACTGCATCATGGTGGCCGTATATTATGCCAGGATTGTACTGACTGA-3'
Protein context (NP_001341412.1, residues 397-417): GHHDAVPPLE[Gln407Arg]QLVIKKETGF

ClinVar aggregate classification (germline): Uncertain significance. Review status: criteria provided, multiple submitters, no conflicts (2 of 4 stars). 2 submissions from 2 submitters: Uncertain significance (2). Last evaluated 2025-08-11.

Conditions:
Inborn genetic diseases. Identifiers: MedGen C0950123, MeSH D030342.

Allele frequency attached by ClinVar (database versions not stated): gnomAD 0.00001; TOPMed 0.00001.
gnomAD v4.1: 2 of 1,607,126 alleles (0.00012%); highest among the groups gnomAD compares: African/African-American, 0.0027%; no homozygotes.

Submissions (2):

Ambry Genetics
Classification: Uncertain significance for Inborn genetic diseases. Last evaluated: 2025-08-11. Review status: criteria provided, single submitter. Criteria: Ambry Variant Classification Scheme 2023. Collection method: clinical testing. Allele origin: germline.

Labcorp Genetics (formerly Invitae), Labcorp
Classification: Uncertain significance. Last evaluated: 2022-08-15. Review status: criteria provided, single submitter. Criteria: Invitae Variant Classification Sherloc (09022015). Collection method: clinical testing. Allele origin: germline.
Comment: Algorithms developed to predict the effect of missense changes on protein structure and function are either unavailable or do not agree on the potential impact of this missense change (SIFT: "Deleterious"; PolyPhen-2: "Benign"; Align-GVGD: "Class C0"). In summary, the available evidence is currently insufficient to determine the role of this variant in disease. Therefore, it has been classified as a Variant of Uncertain Significance. ClinVar contains an entry for this variant (Variation ID: 1489411). This variant has not been reported in the literature in individuals affected with CSGALNACT1-related conditions. This variant is present in population databases (no rsID available, gnomAD 0.01%). This sequence change replaces glutamine, which is neutral and polar, with arginine, which is basic and polar, at codon 407 of the CSGALNACT1 protein (p.Gln407Arg).